The following is an entry in ClinVar:

ClinVar aggregate classification (germline): Uncertain significance (1 of 4 stars; one submission).

Allele frequency attached by ClinVar (database versions not stated): gnomAD exomes 0.00002; ExAC 0.00003; gnomAD 0.00005; ESP Exome Variant Server 0.00008; TOPMed 0.00008.
gnomAD v4.1: 35 of 1,613,786 alleles (0.0022%); highest among the groups gnomAD compares: African/African-American, 0.029%; no homozygotes.

Submission:

Labcorp Genetics (formerly Invitae), Labcorp
Classification: Uncertain significance. Last evaluated: 2024-07-15. Review status: criteria provided, single submitter. Criteria: Invitae Variant Classification Sherloc (09022015). Collection method: clinical testing. Allele origin: germline.
Comment: This sequence change replaces arginine, which is basic and polar, with cysteine, which is neutral and slightly polar, at codon 347 of the PHF21A protein (p.Arg347Cys). This variant is present in population databases (rs147438481, gnomAD 0.02%). This variant has not been reported in the literature in individuals affected with PHF21A-related conditions. Advanced modeling of protein sequence and biophysical properties (such as structural, functional, and spatial information, amino acid conservation, physicochemical variation, residue mobility, and thermodynamic stability) performed at Invitae indicates that this missense variant is not expected to disrupt PHF21A protein function with a negative predictive value of 80%. In summary, the available evidence is currently insufficient to determine the role of this variant in disease. Therefore, it has been classified as a Variant of Uncertain Significance.

NM_001352027.3(PHF21A):c.1042C>T (p.Arg348Cys)

Gene: PHF21A (PHD finger protein 21A; minus strand). Cytogenetic location: 11p11.2.
Variant type: single nucleotide variant.
Coding change: c.1042C>T on transcript NM_001352027.3 (MANE Select); coding-DNA position 1042, C replaced by T.
Protein change: p.Arg348Cys; replaces arginine 348 with cysteine.
Molecular consequence: missense variant. On other transcripts: non-coding transcript variant (2).
Genome position (GRCh38, 1-based): chr11:45,953,580, G>A on the plus strand (C>T on the coding strand, the complement: PHF21A is on the minus strand). VCF-style: chr11-45953580-G-A. GRCh37 (hg19) VCF-style: chr11-45975131-G-A.
Other names: c.1039C>T, p.Arg347Cys (NM_001101802.3, NM_001352030.3, NM_001352031.3 and 1 more transcripts); c.1042C>T, p.Arg348Cys (NM_001352025.3, NM_001352026.3, NM_001352028.1 and 2 more transcripts); short protein forms R347C, R348C.
Identifiers: ClinVar variation 2906044 (VCV002906044.3), dbSNP rs147438481, ClinGen allele CA5961224.
Genomic context (GRCh38, chr11:45,953,580, plus strand): 5'-GGCCTACCTGAGGGTTCTCCTCCCGTTTTGGTTTGGGTGCAGCAGGTGGGGTGATGGTGC[G>A]GCTCTCTGTTTGTTTCTCATCTGTTTCTGTGTGAGATTTAACTGTCTAGGAGAGAAAAAT-3'
Protein context (NP_001338956.1, residues 338-358): TETDEKQTES[Arg348Cys]TITPPAAPKP